The following is an entry in ClinVar:

NM_000179.3(MSH6):c.2748T>G (p.Phe916Leu)

Gene: MSH6 (mutS homolog 6; plus strand). Cytogenetic location: 2p16.3.
Variant type: single nucleotide variant.
Coding change: c.2748T>G on transcript NM_000179.3 (MANE Select); coding-DNA position 2748, T replaced by G.
Protein change: p.Phe916Leu; replaces phenylalanine 916 with leucine.
Molecular consequence: missense variant. On other transcripts: non-coding transcript variant (5), intron variant (2).
Genome position (GRCh38, 1-based): chr2:47,800,731, T>G. VCF-style: chr2-47800731-T-G. GRCh37 (hg19) VCF-style: chr2-48027870-T-G.
Other names: c.2358T>G, p.Phe786Leu (NM_001281492.2); c.1842T>G, p.Phe614Leu (NM_001281493.2, NM_001281494.2, NM_001406811.1 and 6 more transcripts); c.2844T>G, p.Phe948Leu (NM_001406795.1, NM_001406802.1); c.2748T>G, p.Phe916Leu (NM_001406796.1, NM_001406798.1, NM_001406800.1 and 2 more transcripts); c.2451T>G, p.Phe817Leu (NM_001406797.1, NM_001406801.1, NM_001406805.1 and 10 more transcripts); c.2223T>G, p.Phe741Leu (NM_001406799.1, NM_001406806.1, NM_001406807.1); c.2670T>G, p.Phe890Leu (NM_001406804.1); c.2580T>G, p.Phe860Leu (NM_001406826.1); and 4 more; short protein forms F614L, F786L, F817L, F860L, F231L, F916L, F741L, F890L.
Identifiers: ClinVar variation 3633957 (VCV003633957.2).

ClinVar aggregate classification (germline): Uncertain significance (1 of 4 stars; one submission).

Conditions:
Hereditary nonpolyposis colorectal neoplasms. Identifiers: MedGen C0009405, MeSH D003123.

Submission:

Labcorp Genetics (formerly Invitae), Labcorp
Classification: Uncertain significance for Hereditary nonpolyposis colorectal neoplasms. Last evaluated: 2024-07-08. Review status: criteria provided, single submitter. Criteria: Invitae Variant Classification Sherloc (09022015). Collection method: clinical testing. Allele origin: germline.
Comment: This sequence change replaces phenylalanine, which is neutral and non-polar, with leucine, which is neutral and non-polar, at codon 916 of the MSH6 protein (p.Phe916Leu). This variant is not present in population databases (gnomAD no frequency). This variant has not been reported in the literature in individuals affected with MSH6-related conditions. Advanced modeling of protein sequence and biophysical properties (such as structural, functional, and spatial information, amino acid conservation, physicochemical variation, residue mobility, and thermodynamic stability) has been performed at Invitae for this missense variant, however the output from this modeling did not meet the statistical confidence thresholds required to predict the impact of this variant on MSH6 protein function. In summary, the available evidence is currently insufficient to determine the role of this variant in disease. Therefore, it has been classified as a Variant of Uncertain Significance.